The following is an entry in ClinVar:

NM_003239.5(TGFB3):c.398G>A (p.Arg133His)

Gene: TGFB3 (transforming growth factor beta 3; minus strand). Cytogenetic location: 14q24.3.
Variant type: single nucleotide variant.
Coding change: c.398G>A on transcript NM_003239.5 (MANE Select); coding-DNA position 398, G replaced by A.
Protein change: p.Arg133His; replaces arginine 133 with histidine.
Molecular consequence: missense variant.
Genome position (GRCh38, 1-based): chr14:75,971,673, C>T on the plus strand (G>A on the coding strand, the complement: TGFB3 is on the minus strand). VCF-style: chr14-75971673-C-T. GRCh37 (hg19) VCF-style: chr14-76438016-C-T.
Other names: c.398G>A, p.Arg133His (NM_001329938.2, NM_001329939.2); c.398G>A (NM_003239.2); short protein forms R133H.
Identifiers: ClinVar variation 660724 (VCV000660724.11), dbSNP rs761890018, ClinGen allele CA263707175.

ClinVar aggregate classification (germline): Uncertain significance. Review status: criteria provided, multiple submitters, no conflicts (2 of 4 stars). 2 submissions from 2 submitters: Uncertain significance (2). Last evaluated 2025-11-25.

Conditions:
Rienhoff syndrome. Also called: LOEYS-DIETZ SYNDROME 5. Identifiers: MedGen C3810012, MONDO:0014262, OMIM 615582.
Familial thoracic aortic aneurysm and aortic dissection (TAAD). Also called: Thoracic aortic aneurysms and dissections. Identifiers: Orphanet 91387, MedGen C4707243, MONDO:0019625.

Allele frequency attached by ClinVar (database versions not stated): TOPMed below 0.00001.
gnomAD v4.1: 12 of 1,614,190 alleles (0.00074%); highest among the groups gnomAD compares: African/African-American, 0.0013%; no homozygotes.

Submissions (2):

Ambry Genetics
Classification: Uncertain significance for Familial thoracic aortic aneurysm and aortic dissection. Last evaluated: 2025-11-25. Review status: criteria provided, single submitter. Criteria: Ambry Variant Classification Scheme 2023. Collection method: clinical testing. Allele origin: germline.
Comment: The p.R133H variant (also known as c.398G>A), located in coding exon 2 of the TGFB3 gene, results from a G to A substitution at nucleotide position 398. The arginine at codon 133 is replaced by histidine, an amino acid with highly similar properties. This amino acid position is highly conserved in available vertebrate species. In addition, this alteration is predicted to be deleterious by in silico analysis. Based on the available evidence, the clinical significance of this variant remains unclear.

Labcorp Genetics (formerly Invitae), Labcorp
Classification: Uncertain significance for Rienhoff syndrome. Last evaluated: 2023-11-19. Review status: criteria provided, single submitter. Criteria: Invitae Variant Classification Sherloc (09022015). Collection method: clinical testing. Allele origin: germline.
Comment: This sequence change replaces arginine, which is basic and polar, with histidine, which is basic and polar, at codon 133 of the TGFB3 protein (p.Arg133His). This variant is not present in population databases (gnomAD no frequency). This variant has not been reported in the literature in individuals affected with TGFB3-related conditions. ClinVar contains an entry for this variant (Variation ID: 660724). Advanced modeling of protein sequence and biophysical properties (such as structural, functional, and spatial information, amino acid conservation, physicochemical variation, residue mobility, and thermodynamic stability) performed at Invitae indicates that this missense variant is not expected to disrupt TGFB3 protein function with a negative predictive value of 80%. In summary, the available evidence is currently insufficient to determine the role of this variant in disease. Therefore, it has been classified as a Variant of Uncertain Significance.